The following is an entry in ClinVar:

NM_020461.4(TUBGCP6):c.2917G>A (p.Ala973Thr)

Gene: TUBGCP6 (tubulin gamma complex component 6; minus strand). Cytogenetic location: 22q13.33.
Variant type: single nucleotide variant.
Coding change: c.2917G>A on transcript NM_020461.4 (MANE Select); coding-DNA position 2917, G replaced by A.
Protein change: p.Ala973Thr; replaces alanine 973 with threonine.
Molecular consequence: missense variant.
Genome position (GRCh38, 1-based): chr22:50,221,442, C>T on the plus strand (G>A on the coding strand, the complement: TUBGCP6 is on the minus strand). VCF-style: chr22-50221442-C-T. GRCh37 (hg19) VCF-style: chr22-50659871-C-T.
Other names: short protein forms A973T.
Identifiers: ClinVar variation 1430449 (VCV001430449.6), dbSNP rs2147179937, ClinGen allele CA412186017.

ClinVar aggregate classification (germline): Uncertain significance (1 of 4 stars; one submission).

Allele frequency attached by ClinVar (database versions not stated): gnomAD exomes below 0.00001.
gnomAD v4.1: 3 of 1,597,296 alleles (0.00019%); highest among the groups gnomAD compares: Non-Finnish European, 0.00026%; no homozygotes.

Submission:

Labcorp Genetics (formerly Invitae), Labcorp
Classification: Uncertain significance. Last evaluated: 2022-11-22. Review status: criteria provided, single submitter. Criteria: Invitae Variant Classification Sherloc (09022015). Collection method: clinical testing. Allele origin: germline.
Comment: This sequence change replaces alanine, which is neutral and non-polar, with threonine, which is neutral and polar, at codon 973 of the TUBGCP6 protein (p.Ala973Thr). This variant is not present in population databases (gnomAD no frequency). This variant has not been reported in the literature in individuals affected with TUBGCP6-related conditions. ClinVar contains an entry for this variant (Variation ID: 1430449). Algorithms developed to predict the effect of missense changes on protein structure and function output the following: SIFT: "Deleterious"; PolyPhen-2: "Benign"; Align-GVGD: "Class C0". The threonine amino acid residue is found in multiple mammalian species, which suggests that this missense change does not adversely affect protein function. In summary, the available evidence is currently insufficient to determine the role of this variant in disease. Therefore, it has been classified as a Variant of Uncertain Significance.